The following is an entry in ClinVar:

NM_017757.3(ZNF407):c.2915A>C (p.Asn972Thr)

Genes: ZNF407 (zinc finger protein 407; plus strand), LOC126862798 (MED14-independent group 3 enhancer GRCh37_chr18:72345358-72346557; plus strand). Cytogenetic location: 18q22.3.
Variant type: single nucleotide variant.
Coding change: c.2915A>C on transcript NM_017757.3 (MANE Select); coding-DNA position 2915, A replaced by C.
Protein change: p.Asn972Thr; replaces asparagine 972 with threonine.
Molecular consequence: missense variant.
Genome position (GRCh38, 1-based): chr18:74,633,934, A>C. VCF-style: chr18-74633934-A-C. GRCh37 (hg19) VCF-style: chr18-72345890-A-C.
Other names: c.2915A>C, p.Asn972Thr (NM_001146189.1, NM_001146190.1, NM_001384475.1); short protein forms N972T.
Identifiers: ClinVar variation 130819 (VCV000130819.7), dbSNP rs948615, ClinGen allele CA156119.

ClinVar aggregate classification (germline): Benign. Review status: criteria provided, single submitter (1 of 4 stars). 2 submissions from 2 submitters: Benign (1). 1 of the submissions does not count toward it.

Allele frequency attached by ClinVar (database versions not stated): gnomAD exomes 0.13927 and 0.15159; ExAC 0.15836; gnomAD 0.19393 and 0.19733; ESP Exome Variant Server 0.19640; TOPMed 0.20307; 1000 Genomes Project 0.21106; 1000 Genomes Project 30x 0.21533.
gnomAD v4.1: 233,813 of 1,613,794 alleles (14%); highest among the groups gnomAD compares: African/African-American, 35%; 18,914 homozygotes.

Submissions (2):

Breakthrough Genomics
Classification: Benign. Review status: criteria provided, single submitter. Criteria: ACMG Guidelines, 2015. Collection method: not provided. Allele origin: germline. Inheritance: Autosomal recessive inheritance. Affected: yes.

Genetic Services Laboratory, University of Chicago
Classification: Likely benign for AllHighlyPenetrant. Review status: no assertion criteria provided. Collection method: clinical testing. Allele origin: germline. Inheritance: Autosomal dominant inheritance. Not counted in ClinVar's aggregate classification.
Comment: Likely benign based on allele frequency in 1000 Genomes Project or ESP global frequency and its presence in a patient with a rare or unrelated disease phenotype. NOT Sanger confirmed.